The following is an entry in ClinVar:

NM_000218.3(KCNQ1):c.921+4A>G

Gene: KCNQ1 (potassium voltage-gated channel subfamily Q member 1; plus strand). Cytogenetic location: 11p15.5.
Variant type: single nucleotide variant.
Coding change: c.921+4A>G on transcript NM_000218.3 (MANE Select); 4 bases into the intron after coding-DNA position 921, A replaced by G.
Molecular consequence: intron variant.
Genome position (GRCh38, 1-based): chr11:2,572,990, A>G. VCF-style: chr11-2572990-A-G. GRCh37 (hg19) VCF-style: chr11-2594220-A-G.
Other names: c.651+4A>G (NM_001406837.1); c.921+4A>G (NM_001406836.1); c.478-10445A>G (NM_001406838.1); c.540+4A>G (NM_181798.2).
Identifiers: ClinVar variation 1059282 (VCV001059282.8), dbSNP rs2133733137, ClinGen allele CA2499220869.
Genomic context (GRCh38, chr11:2,572,990, plus strand): 5'-AACGAGTCAGGCCGCGTGGAGTTCGGCAGCTACGCAGATGCGCTGTGGTGGGGGGTGGTA[A>G]GTCGGAAACTTCCAGGCATGGGGACAGGGGCAGCTCAGGCTGAGGAGTGGGCAGGACATC-3'

ClinVar aggregate classification (germline): Uncertain significance (1 of 4 stars; one submission).

Conditions:
Long QT syndrome (LQTS). Identifiers: MedGen C0023976, MeSH D008133, MONDO:0002442. Disease mechanism: loss of function. Inheritance: Various modes of inheritance.

Submission:

Labcorp Genetics (formerly Invitae), Labcorp
Classification: Uncertain significance for Long QT syndrome. Last evaluated: 2025-09-20. Review status: criteria provided, single submitter. Criteria: Invitae Variant Classification Sherloc (09022015). Collection method: clinical testing. Allele origin: germline.
Comment: This sequence change falls in intron 6 of the KCNQ1 gene. It does not directly change the encoded amino acid sequence of the KCNQ1 protein. It affects a nucleotide within the consensus splice site. This variant is not present in population databases (gnomAD no frequency). This variant has not been reported in the literature in individuals affected with KCNQ1-related conditions. ClinVar contains an entry for this variant (Variation ID: 1059282). Variants that disrupt the consensus splice site are a relatively common cause of aberrant splicing (PMID: 17576681, 9536098). Algorithms developed to predict the effect of sequence changes on RNA splicing suggest that this variant may disrupt the consensus splice site. In summary, the available evidence is currently insufficient to determine the role of this variant in disease. Therefore, it has been classified as a Variant of Uncertain Significance.

Literature cited by the submitters: PubMed 17576681; PubMed 9536098.